The following is an entry in ClinVar:

ClinVar aggregate classification (germline): Likely benign. Review status: criteria provided, multiple submitters, no conflicts (2 of 4 stars). 3 submissions from 3 submitters: Likely benign (3). Last evaluated 2023-01-22.

Conditions:
Luscan-Lumish syndrome. Identifiers: Orphanet 597738, MedGen C4085873, MONDO:0014791, OMIM 616831.

Submissions (3):

Labcorp Genetics (formerly Invitae), Labcorp
Classification: Likely benign for Luscan-Lumish syndrome. Last evaluated: 2023-01-22. Review status: criteria provided, single submitter. Criteria: Invitae Variant Classification Sherloc (09022015). Collection method: clinical testing. Allele origin: germline.

Genome-Nilou Lab
Classification: Likely benign for Luscan-Lumish syndrome. Last evaluated: 2022-03-15. Review status: criteria provided, single submitter. Criteria: ACMG Guidelines, 2015. Collection method: clinical testing. Allele origin: germline. Affected: no.

GeneDx
Classification: Likely benign. Last evaluated: 2018-02-26. Review status: criteria provided, single submitter. Criteria: GeneDx Variant Classification (06012015). Collection method: clinical testing. Allele origin: germline. Affected: yes.
Comment: This variant is considered likely benign or benign based on one or more of the following criteria: it is a conservative change, it occurs at a poorly conserved position in the protein, it is predicted to be benign by multiple in silico algorithms, and/or has population frequency not consistent with disease.

NM_014159.7(SETD2):c.6293+4dup

Gene: SETD2 (SET domain containing 2, histone lysine methyltransferase; minus strand). Cytogenetic location: 3p21.31.
Variant type: Duplication.
Coding change: c.6293+4dup on transcript NM_014159.7 (MANE Select); 4 bases into the intron after coding-DNA position 6293, one base duplicated (A; older notation c.6293+4dupA).
Molecular consequence: intron variant.
Genome position (GRCh38, 1-based): chr3:47,062,159, T duplicated on the plus strand (A on the coding strand, the reverse complement: SETD2 is on the minus strand); the first of 2 consecutive T bases (chr3:47,062,159-47,062,160); duplicating either gives the same sequence. VCF-style (leftmost placement, unchanged base first): chr3-47062158-C-CT. GRCh37 (hg19) VCF-style: chr3-47103648-C-CT.
Other names: c.6293+4dupA (NM_014159.6); c.6161+4dup (NM_001349370.3).
Identifiers: ClinVar variation 515776 (VCV000515776.9), dbSNP rs533328208, ClinGen allele CA2362736.